The following is an entry in ClinVar:

ClinVar aggregate classification (germline): Uncertain significance. Review status: criteria provided, multiple submitters, no conflicts (2 of 4 stars). 2 submissions from 2 submitters: Uncertain significance (2). Last evaluated 2026-08-13.

Conditions:
GNAS-related disorder. Identifiers: MedGen CN380105.

gnomAD v4.1: 17 of 1,532,796 alleles (0.0011%); highest among the groups gnomAD compares: Middle Eastern, 0.019%; no homozygotes.

Submissions (2):

PreventionGenetics, part of Exact Sciences
Classification: Uncertain significance for GNAS-related condition. Last evaluated: 2026-08-13. Review status: criteria provided, single submitter. Criteria: ACMG Guidelines, 2015. Collection method: clinical testing. Allele origin: germline.
Comment: The GNAS c.1447C>T variant is predicted to result in the amino acid substitution p.Arg483Trp. Of note, this variant is in the pre-coding region (c.-37015C>T) in the primary transcript (NM_000516.5). To our knowledge, this variant has not been reported in the literature. This variant is reported in 0.012% of alleles in individuals of Latino descent in gnomAD. At this time, the clinical significance of this variant is uncertain due to the absence of conclusive functional and genetic evidence.

CeGaT Center for Human Genetics Tuebingen
Classification: Uncertain significance. Last evaluated: 2024-08-01. Review status: criteria provided, single submitter. Criteria: CeGaT Center For Human Genetics Tuebingen Variant Classification Criteria Version 2. Collection method: clinical testing. Allele origin: germline. Affected: yes. Observed: 1 variant allele.

NM_080425.4(GNAS):c.1447C>T (p.Arg483Trp)

Gene: GNAS (GNAS complex locus; plus strand). Cytogenetic location: 20q13.32.
Variant type: single nucleotide variant.
Coding change: c.1447C>T on transcript NM_080425.4 (MANE Plus Clinical); coding-DNA position 1447, C replaced by T.
Protein change: p.Arg483Trp; replaces arginine 483 with tryptophan.
Molecular consequence: missense variant. On other transcripts: synonymous variant (2), intron variant (3).
Genome position (GRCh38, 1-based): chr20:58,854,712, C>T. VCF-style: chr20-58854712-C-T. GRCh37 (hg19) VCF-style: chr20-57429767-C-T.
Other names: c.1260C>T, p.Pro420= (NM_001077490.3, NM_001309883.1); c.1447C>T, p.Arg483Trp (NM_001410913.1); c.*42+13826C>T (NM_016592.5); c.43+13826C>T (NM_001410912.1); c.-39+12837C>T (NM_001309861.2); short protein forms R483W.
Identifiers: ClinVar variation 3341844 (VCV003341844.16).